The following is an entry in ClinVar:

ClinVar aggregate classification (germline): Uncertain significance (1 of 4 stars; one submission).

Submission:

CeGaT Center for Human Genetics Tuebingen
Classification: Uncertain significance. Last evaluated: 2024-03-01. Review status: criteria provided, single submitter. Criteria: CeGaT Center For Human Genetics Tuebingen Variant Classification Criteria Version 2. Collection method: clinical testing. Allele origin: germline. Affected: yes. Observed: 1 variant allele.
Comment: KMT2A: PM2

NM_001197104.2(KMT2A):c.2950G>A (p.Glu984Lys)

Gene: KMT2A (lysine methyltransferase 2A; plus strand). Cytogenetic location: 11q23.3.
Variant type: single nucleotide variant.
Coding change: c.2950G>A on transcript NM_001197104.2 (MANE Select); coding-DNA position 2950, G replaced by A.
Protein change: p.Glu984Lys; replaces glutamic acid 984 with lysine.
Molecular consequence: missense variant.
Genome position (GRCh38, 1-based): chr11:118,474,109, G>A. VCF-style: chr11-118474109-G-A. GRCh37 (hg19) VCF-style: chr11-118344824-G-A.
Other names: c.3049G>A, p.Glu1017Lys (NM_001412597.1); c.2950G>A, p.Glu984Lys (NM_005933.4); short protein forms E1017K, E984K.
Identifiers: ClinVar variation 3067681 (VCV003067681.21), dbSNP rs2496817172, ClinGen allele CA382819015.
Genomic context (GRCh38, chr11:118,474,109, plus strand): 5'-AAAGGGAGAGGAAATCTGGAAAAAACCAACTTGGACCTCGGCCCAACTGCCCCATCCCTG[G>A]AGAAGGAGAAAACCCTCTGCCTTTCCACTCCTTCATCTAGCACTGTTAAACATTCCACTT-3'
Protein context (NP_001184033.1, residues 974-994): LDLGPTAPSL[Glu984Lys]KEKTLCLSTP